The following is an entry in ClinVar:

NM_000993.5(RPL31):c.233+13T>C

Gene: RPL31 (ribosomal protein L31; plus strand). Cytogenetic location: 2q11.2.
Variant type: single nucleotide variant.
Coding change: c.233+13T>C on transcript NM_000993.5 (MANE Select); 13 bases into the intron after coding-DNA position 233, T replaced by C.
Molecular consequence: intron variant.
Genome position (GRCh38, 1-based): chr2:101,004,296, T>C. VCF-style: chr2-101004296-T-C. GRCh37 (hg19) VCF-style: chr2-101620758-T-C.
Other names: c.233+13T>C (NM_001098577.3, NM_001099693.2).
Identifiers: ClinVar variation 3701761 (VCV003701761.3).

ClinVar aggregate classification (germline): Conflicting classifications of pathogenicity. Review status: criteria provided, conflicting classifications (1 of 4 stars). 2 submissions from 2 submitters: Uncertain significance (1); Likely benign (1). Last evaluated 2025-12-10.

gnomAD v4.1: 102 of 1,613,678 alleles (0.0063%); highest among the groups gnomAD compares: South Asian, 0.076%; no homozygotes.

Submissions (2):

Labcorp Genetics (formerly Invitae), Labcorp
Classification: Uncertain significance. Last evaluated: 2025-12-10. Review status: criteria provided, single submitter. Criteria: Invitae Variant Classification Sherloc (09022015). Collection method: clinical testing. Allele origin: germline.
Comment: This sequence change falls in intron 3 of the RPL31 gene. It does not directly change the encoded amino acid sequence of the RPL31 protein. This variant is present in population databases (rs558807467, gnomAD 0.05%). This variant has not been reported in the literature in individuals affected with RPL31-related conditions. ClinVar contains an entry for this variant (Variation ID: 3701761). Algorithms developed to predict the effect of sequence changes on RNA splicing suggest that this variant may create or strengthen a splice site. In summary, the available evidence is currently insufficient to determine the role of this variant in disease. Therefore, it has been classified as a Variant of Uncertain Significance.

Blueprint Genetics
Classification: Likely benign. Last evaluated: 2024-10-15. Review status: criteria provided, single submitter. Criteria: ACMG Guidelines, 2015. Collection method: clinical testing. Allele origin: germline.